The following is an entry in ClinVar:

ClinVar aggregate classification (germline): Uncertain significance (1 of 4 stars; one submission).

Allele frequency attached by ClinVar (database versions not stated): TOPMed below 0.00001.

Submission:

Labcorp Genetics (formerly Invitae), Labcorp
Classification: Uncertain significance. Last evaluated: 2023-03-17. Review status: criteria provided, single submitter. Criteria: Invitae Variant Classification Sherloc (09022015). Collection method: clinical testing. Allele origin: germline.
Comment: This sequence change replaces proline, which is neutral and non-polar, with leucine, which is neutral and non-polar, at codon 706 of the SEMA4A protein (p.Pro706Leu). This variant is not present in population databases (gnomAD no frequency). In summary, the available evidence is currently insufficient to determine the role of this variant in disease. Therefore, it has been classified as a Variant of Uncertain Significance. An algorithm developed to predict the effect of missense changes on protein structure and function (PolyPhen-2) suggests that this variant is likely to be tolerated. This variant has not been reported in the literature in individuals affected with SEMA4A-related conditions.

NM_022367.4(SEMA4A):c.2117C>T (p.Pro706Leu)

Gene: SEMA4A (semaphorin 4A; plus strand). Cytogenetic location: 1q22.
Variant type: single nucleotide variant.
Coding change: c.2117C>T on transcript NM_022367.4 (MANE Select); coding-DNA position 2117, C replaced by T.
Protein change: p.Pro706Leu; replaces proline 706 with leucine.
Molecular consequence: missense variant.
Genome position (GRCh38, 1-based): chr1:156,176,828, C>T. VCF-style: chr1-156176828-C-T. GRCh37 (hg19) VCF-style: chr1-156146619-C-T.
Other names: c.2117C>T, p.Pro706Leu (NM_001193300.2, NM_001193301.2, NM_001370567.1); c.1721C>T, p.Pro574Leu (NM_001193302.2); c.1820C>T, p.Pro607Leu (NM_001370568.1); c.1610C>T, p.Pro537Leu (NM_001370569.1, NM_001370571.1); short protein forms P574L, P607L, P706L, P537L.
Identifiers: ClinVar variation 2993413 (VCV002993413.3), dbSNP rs1655388462, ClinGen allele CA342813681.